The following is an entry in ClinVar:

ClinVar aggregate classification (germline): Uncertain significance (1 of 4 stars; one submission).

Conditions:
Developmental and epileptic encephalopathy, 1 (DEE1). Also called: Epileptic encephalopathy, early infantile, 1; INFANTILE SPASM SYNDROME, X-LINKED 1; X-linked infantile spasms; West's syndrome; Tonic spasms with clustering, arrest of psychomotor development and hypsarrhythmia on EEG; X-Linked Infantile Spasm Syndrome. Identifiers: MedGen C3463992, MONDO:0010632, OMIM 308350. Disease mechanism: loss of function.
Autosomal recessive spinocerebellar ataxia 12. Also called: SPINOCEREBELLAR ATAXIA WITH MENTAL RETARDATION AND EPILEPSY. Identifiers: Orphanet 284282, MedGen C3280452, MONDO:0013687, OMIM 614322.

Submission:

Labcorp Genetics (formerly Invitae), Labcorp
Classification: Uncertain significance for Developmental and epileptic encephalopathy, 1; Autosomal recessive spinocerebellar ataxia 12. Last evaluated: 2022-08-21. Review status: criteria provided, single submitter. Criteria: Invitae Variant Classification Sherloc (09022015). Collection method: clinical testing. Allele origin: germline.
Comment: This sequence change replaces proline, which is neutral and non-polar, with serine, which is neutral and polar, at codon 386 of the WWOX protein (p.Pro386Ser). This variant is not present in population databases (gnomAD no frequency). This variant has not been reported in the literature in individuals affected with WWOX-related conditions. Algorithms developed to predict the effect of missense changes on protein structure and function output the following: SIFT: "Not Available"; PolyPhen-2: "Benign"; Align-GVGD: "Not Available". The serine amino acid residue is found in multiple mammalian species, which suggests that this missense change does not adversely affect protein function. In summary, the available evidence is currently insufficient to determine the role of this variant in disease. Therefore, it has been classified as a Variant of Uncertain Significance.

NM_016373.4(WWOX):c.1156C>T (p.Pro386Ser)

Genes: MAF (MAF bZIP transcription factor; minus strand), WWOX (WW domain containing oxidoreductase; plus strand). Cytogenetic location: 16q23.2.
Variant type: single nucleotide variant.
Coding change: c.1156C>T on transcript NM_016373.4 (MANE Select); coding-DNA position 1156, C replaced by T.
Protein change: p.Pro386Ser; replaces proline 386 with serine.
Molecular consequence: missense variant.
Genome position (GRCh38, 1-based): chr16:79,211,707, C>T. VCF-style: chr16-79211707-C-T. GRCh37 (hg19) VCF-style: chr16-79245604-C-T.
Other names: c.817C>T, p.Pro273Ser (NM_001291997.2); short protein forms P273S, P386S.
Identifiers: ClinVar variation 1717306 (VCV001717306.6), dbSNP rs1308501987, ClinGen allele CA396537172.
Genomic context (GRCh38, chr16:79,211,707, plus strand): 5'-CCAGAACTGGAGGGTCTGGGAGGGATGTACTTCAACAACTGCTGCCGCTGCATGCCCTCA[C>T]CAGAAGCTCAGAGCGAAGAGACGGCCCGGACCCTGTGGGCGCTCAGCGAGAGGCTGATCC-3'
Protein context (NP_057457.1, residues 376-396): FNNCCRCMPS[Pro386Ser]EAQSEETART